The following is an entry in ClinVar:

ClinVar aggregate classification (germline): Uncertain significance. Review status: criteria provided, multiple submitters, no conflicts (2 of 4 stars). 2 submissions from 2 submitters: Uncertain significance (2). Last evaluated 2022-11-01.

Allele frequency attached by ClinVar (database versions not stated): TOPMed below 0.00001.

Submissions (2):

CeGaT Center for Human Genetics Tuebingen
Classification: Uncertain significance. Last evaluated: 2022-11-01. Review status: criteria provided, single submitter. Criteria: CeGaT Center For Human Genetics Tuebingen Variant Classification Criteria Version 2. Collection method: clinical testing. Allele origin: germline. Affected: yes. Observed: 1 variant allele.
Comment: PPP2R5D: PM2, PP2, PP3

Labcorp Genetics (formerly Invitae), Labcorp
Classification: Uncertain significance. Last evaluated: 2022-07-19. Review status: criteria provided, single submitter. Criteria: Invitae Variant Classification Sherloc (09022015). Collection method: clinical testing. Allele origin: germline.
Comment: This variant has not been reported in the literature in individuals affected with PPP2R5D-related conditions. This variant is not present in population databases (gnomAD no frequency). This sequence change replaces arginine, which is basic and polar, with proline, which is neutral and non-polar, at codon 523 of the PPP2R5D protein (p.Arg523Pro). Algorithms developed to predict the effect of missense changes on protein structure and function are either unavailable or do not agree on the potential impact of this missense change (SIFT: "Deleterious"; PolyPhen-2: "Benign"; Align-GVGD: "Class C0"). In summary, the available evidence is currently insufficient to determine the role of this variant in disease. Therefore, it has been classified as a Variant of Uncertain Significance. Algorithms developed to predict the effect of sequence changes on RNA splicing suggest that this variant may create or strengthen a splice site.

NM_006245.4(PPP2R5D):c.1568G>C (p.Arg523Pro)

Gene: PPP2R5D (protein phosphatase 2 regulatory subunit B'delta; plus strand). Cytogenetic location: 6p21.1.
Variant type: single nucleotide variant.
Coding change: c.1568G>C on transcript NM_006245.4 (MANE Select); coding-DNA position 1568, G replaced by C.
Protein change: p.Arg523Pro; replaces arginine 523 with proline.
Molecular consequence: missense variant.
Genome position (GRCh38, 1-based): chr6:43,010,894, G>C. VCF-style: chr6-43010894-G-C. GRCh37 (hg19) VCF-style: chr6-42978632-G-C.
Other names: c.1115G>C, p.Arg372Pro (NM_001270476.2); c.1472G>C, p.Arg491Pro (NM_180976.3); c.1250G>C, p.Arg417Pro (NM_180977.3); short protein forms R491P, R523P, R372P, R417P.
Identifiers: ClinVar variation 2049496 (VCV002049496.28), dbSNP rs1762321025, ClinGen allele CA364142304.
Genomic context (GRCh38, chr6:43,010,894, plus strand): 5'-AAGCCTCTGAAGTGGCTCTTAACGCTTGTCCATGTCTCCTCACTCAGTATCCCATGTTCC[G>C]AGCCCCTCCACCACTGCCCCCTGTGTACTCGATGGAGACAGAGACCCCCACAGCTGAGGA-3'
Protein context (NP_006236.1, residues 513-533): ARLNPQYPMF[Arg523Pro]APPPLPPVYS